The following is an entry in ClinVar:

NM_001048174.2(MUTYH):c.43C>T (p.Gln15Ter)

Gene: MUTYH (mutY DNA glycosylase; minus strand). Cytogenetic location: 1p34.1.
Variant type: single nucleotide variant.
Coding change: c.43C>T on transcript NM_001048174.2 (MANE Select); coding-DNA position 43, C replaced by T.
Protein change: p.Gln15Ter; replaces glutamine 15 with a stop codon.
Molecular consequence: nonsense. On other transcripts: 5 prime UTR variant (4), non-coding transcript variant (2).
Genome position (GRCh38, 1-based): chr1:45,334,463, G>A on the plus strand (C>T on the coding strand, the complement: MUTYH is on the minus strand). VCF-style: chr1-45334463-G-A. GRCh37 (hg19) VCF-style: chr1-45800135-G-A.
Other names: c.43C>T, p.Gln15Ter (NM_001048171.2, NM_001048172.2, NM_001048173.2 and 2 more transcripts); c.85C>T, p.Gln29Ter (NM_001128425.2, NM_001293190.2, NM_012222.3); c.-170C>T (NM_001293192.2, NM_001293196.2); c.-229C>T (NM_001350650.2); c.-165C>T (NM_001350651.2); short protein forms Q29*, Q15*.
Identifiers: ClinVar variation 555262 (VCV000555262.20), dbSNP rs768386527, ClinGen allele CA058129.

ClinVar aggregate classification (germline): Pathogenic. Review status: criteria provided, multiple submitters, no conflicts (2 of 4 stars). 5 submissions from 5 submitters: Pathogenic (4). 1 of the submissions does not count toward it. Last evaluated 2025-12-10.

Conditions:
Familial adenomatous polyposis 2. Also called: MUTYH Polyposis; MYH-associated polyposis; FAP type 2; MUTYH-associated polyposis; Adenomas, multiple colorectal; MUTYH-related attenuated familial adenomatous polyposis. Identifiers: Orphanet 220460, Orphanet 247798, MedGen C3272841, MONDO:0012041, OMIM 608456.
Hereditary cancer-predisposing syndrome. Also called: Hereditary Cancer Syndrome; Neoplastic Syndromes, Hereditary; Hereditary neoplastic syndrome; Tumor predisposition. Identifiers: Orphanet 140162, MedGen C0027672, MeSH D009386, MONDO:0015356.

Allele frequency attached by ClinVar (database versions not stated): gnomAD exomes below 0.00001; TOPMed below 0.00001; ExAC 0.00001; gnomAD 0.00001.
gnomAD v4.1: 3 of 1,614,000 alleles (0.00019%); highest among the groups gnomAD compares: Non-Finnish European, 0.00025%; no homozygotes.

Submissions (5):

Ambry Genetics
Classification: Pathogenic for Hereditary cancer-predisposing syndrome. Last evaluated: 2025-12-10. Review status: criteria provided, single submitter. Criteria: Ambry Variant Classification Scheme 2023. Collection method: clinical testing. Allele origin: germline.
Comment: The p.Q29* pathogenic mutation (also known as c.85C>T), located in coding exon 2 of the MUTYH gene, results from a C to T substitution at nucleotide position 85. This changes the amino acid from a glutamine to a stop codon within coding exon 2. This alteration is expected to result in loss of function by premature protein truncation or nonsense-mediated mRNA decay. As such, this alteration is interpreted as a disease-causing mutation.

Labcorp Genetics (formerly Invitae), Labcorp
Classification: Pathogenic for Familial adenomatous polyposis 2. Last evaluated: 2025-09-11. Review status: criteria provided, single submitter. Criteria: Invitae Variant Classification Sherloc (09022015). Collection method: clinical testing. Allele origin: germline.
Comment: This sequence change creates a premature translational stop signal (p.Gln29*) in the MUTYH gene. It is expected to result in an absent or disrupted protein product. Loss-of-function variants in MUTYH are known to be pathogenic (PMID: 18534194, 20663686). This variant is present in population databases (rs768386527, gnomAD 0.007%). This variant has not been reported in the literature in individuals affected with MUTYH-related conditions. ClinVar contains an entry for this variant (Variation ID: 555262). RNA analysis performed to evaluate the impact of this premature translational stop signal on mRNA splicing indicates it does not significantly alter splicing (internal data). For these reasons, this variant has been classified as Pathogenic.

Color Diagnostics, LLC DBA Color Health
Classification: Pathogenic for Hereditary cancer-predisposing syndrome. Last evaluated: 2025-06-30. Review status: criteria provided, single submitter. Criteria: ACMG Guidelines, 2015. Collection method: clinical testing. Allele origin: germline.
Comment: This variant changes 1 nucleotide in exon 2 of the MUTYH gene, creating a premature translation stop signal. This variant is expected to result in an absent or non-functional protein product. To our knowledge, this variant has not been reported in individuals affected with MUTYH-related disorders in the literature. This variant has been identified in 1/251484 chromosomes in the general population by the Genome Aggregation Database (gnomAD). Loss of MUTYH function is a known mechanism of disease. Based on the available evidence, this variant is classified as Pathogenic.

GeneDx
Classification: Pathogenic. Last evaluated: 2024-12-13. Review status: criteria provided, single submitter. Criteria: GeneDx Variant Classification Process June 2021. Collection method: clinical testing. Allele origin: germline. Affected: yes.
Comment: Nonsense variant predicted to result in protein truncation or nonsense mediated decay in a gene for which loss of function is a known mechanism of disease; Not observed at significant frequency in large population cohorts (gnomAD); Reported as a single heterozygous variant in individuals with glioma or neuroendocrine tumor (PMID: 26689913, 36947458); This variant is associated with the following publications: (PMID: 26689913, 36947458, 36451132)

Counsyl
Classification: Likely pathogenic for Familial adenomatous polyposis 2. Last evaluated: 2017-11-28. Review status: no assertion criteria provided. Collection method: clinical testing. Allele origin: unknown. Not counted in ClinVar's aggregate classification.

Literature cited by the submitters: PubMed 18534194 (cited by Labcorp Genetics (formerly Invitae), Labcorp); PubMed 20663686 (cited by Labcorp Genetics (formerly Invitae), Labcorp).